The following is an entry in ClinVar:

ClinVar aggregate classification (germline): Uncertain significance. Review status: criteria provided, multiple submitters, no conflicts (2 of 4 stars). 3 submissions from 3 submitters: Uncertain significance (3). Last evaluated 2024-04-15.

Conditions:
Developmental and epileptic encephalopathy, 23 (DEE23). Also called: Epileptic encephalopathy, early infantile, 23. Identifiers: Orphanet 411986, MedGen C4014492, MONDO:0014371, OMIM 615859.
Inborn genetic diseases. Identifiers: MedGen C0950123, MeSH D030342.

Allele frequency attached by ClinVar (database versions not stated): gnomAD exomes below 0.00001; gnomAD 0.00001; TOPMed 0.00001.
gnomAD v4.1: 7 of 1,612,896 alleles (0.00043%); highest among the groups gnomAD compares: Non-Finnish European, 0.00059%; no homozygotes.

Submissions (3):

Ambry Genetics
Classification: Uncertain significance for Inborn genetic diseases. Last evaluated: 2024-04-15. Review status: criteria provided, single submitter. Criteria: Ambry Variant Classification Scheme 2023. Collection method: clinical testing. Allele origin: germline.

Labcorp Genetics (formerly Invitae), Labcorp
Classification: Uncertain significance for Developmental and epileptic encephalopathy, 23. Last evaluated: 2022-05-25. Review status: criteria provided, single submitter. Criteria: Invitae Variant Classification Sherloc (09022015). Collection method: clinical testing. Allele origin: germline.
Comment: This sequence change replaces serine, which is neutral and polar, with proline, which is neutral and non-polar, at codon 241 of the DOCK7 protein (p.Ser241Pro). This variant is present in population databases (no rsID available, gnomAD 0.007%). This variant has not been reported in the literature in individuals affected with DOCK7-related conditions. ClinVar contains an entry for this variant (Variation ID: 475169). Algorithms developed to predict the effect of missense changes on protein structure and function (SIFT, PolyPhen-2, Align-GVGD) all suggest that this variant is likely to be tolerated. In summary, the available evidence is currently insufficient to determine the role of this variant in disease. Therefore, it has been classified as a Variant of Uncertain Significance.

New York Genome Center
Classification: Uncertain significance for Developmental and epileptic encephalopathy, 23. Last evaluated: 2020-01-23. Review status: criteria provided, single submitter. Criteria: NYGC Assertion Criteria 2020. Collection method: clinical testing. Allele origin: germline. Observed: 1 heterozygote. Study: CSER-NYCKidSeq.

NM_001367561.1(DOCK7):c.721T>C (p.Ser241Pro)

Gene: DOCK7 (dedicator of cytokinesis 7; minus strand). Cytogenetic location: 1p31.3.
Variant type: single nucleotide variant.
Coding change: c.721T>C on transcript NM_001367561.1 (MANE Select); coding-DNA position 721, T replaced by C.
Protein change: p.Ser241Pro; replaces serine 241 with proline.
Molecular consequence: missense variant.
Genome position (GRCh38, 1-based): chr1:62,648,117, A>G on the plus strand (T>C on the coding strand, the complement: DOCK7 is on the minus strand). VCF-style: chr1-62648117-A-G. GRCh37 (hg19) VCF-style: chr1-63113788-A-G.
Other names: c.721T>C, p.Ser241Pro (NM_001271999.2, NM_001272000.2, NM_001272001.2 and 3 more transcripts); c.721T>C (NM_033407.2); short protein forms S241P.
Identifiers: ClinVar variation 475169 (VCV000475169.10), dbSNP rs894086772, ClinGen allele CA23790054.
Genomic context (GRCh38, chr1:62,648,117, plus strand): 5'-AAGATCAATTTTAATAATCATTTGCTTCTTTATATGCAAACATCTATACCTCATCTGGTG[A>G]TGGATGCAAAGCAAAAAGTTCTTTGTGACGGTTTGATTTCCTTTGGTCATCATTCTGACG-3'
Protein context (NP_001354490.1, residues 231-251): RHKELFALHP[Ser241Pro]PDEEEPIERL